The following is an entry in ClinVar:

NM_001384732.1(CPLANE1):c.4153T>C (p.Ser1385Pro)

Gene: CPLANE1 (ciliogenesis and planar polarity effector complex subunit 1; minus strand). Cytogenetic location: 5p13.2.
Variant type: single nucleotide variant.
Coding change: c.4153T>C on transcript NM_001384732.1 (MANE Select); coding-DNA position 4153, T replaced by C.
Protein change: p.Ser1385Pro; replaces serine 1385 with proline.
Molecular consequence: missense variant.
Genome position (GRCh38, 1-based): chr5:37,186,322, A>G on the plus strand (T>C on the coding strand, the complement: CPLANE1 is on the minus strand). VCF-style: chr5-37186322-A-G. GRCh37 (hg19) VCF-style: chr5-37186424-A-G.
Other names: c.4153T>C, p.Ser1385Pro (NM_023073.4); short protein forms S1385P.
Identifiers: ClinVar variation 3382237 (VCV003382237.2).
Genomic context (GRCh38, chr5:37,186,322, plus strand): 5'-TATCTGAGAAACAACAAATAATACCTTTCACAACACAGTGTCTGAGTCTCTGGTGAAGAG[A>G]GTGATATTTGTCTCTTAAAGGAACCCTCACGTCCTCAGGATAGGGAAATGCTTTCACGAA-3'
Protein context (NP_001371661.1, residues 1375-1395): VRVPLRDKYH[Ser1385Pro]LHQRLRHCVV

ClinVar aggregate classification (germline): Uncertain significance (1 of 4 stars; one submission).

Conditions:
Orofaciodigital syndrome type 6 (OFD6). Also called: VARADI SYNDROME; VARADI-PAPP SYNDROME; Oral-facial-digital syndrome type 6; Central polydactyly cleft lip/palate or lingual lump and psychomotor retardation; Y-shaped central metacarpal and cerebellar defect; Joubert syndrome with orofacialdigital anomalies. Identifiers: Orphanet 2754, MedGen C2745997, MONDO:0010176, OMIM 277170.
Joubert syndrome 17 (JBTS17). Identifiers: Orphanet 475, MedGen C3553264, MONDO:0013824, OMIM 614615.

Submission:

Juno Genomics, Hangzhou Juno Genomics, Inc
Classification: Uncertain significance for Joubert syndrome 17; Orofaciodigital syndrome type 6. Review status: criteria provided, single submitter. Criteria: ACMG Guidelines, 2015. Collection method: clinical testing. Allele origin: germline. Affected: yes.
Comment: Absent from controls (or at extremely low frequency if recessive) in Genome Aggregation Database, Exome Sequencing Project, 1000 Genomes Project, or Exome Aggregation Consortium.;For recessive disorders, detected in trans with a pathogenic variant.;Patient's phenotype or family history is highly specific for a disease with a single genetic etiology.